The following is an entry in ClinVar:

ClinVar aggregate classification (germline): Uncertain significance (1 of 4 stars; one submission).

Conditions:
Acromesomelic dysplasia 1, Maroteaux type (AMD1). Also called: ST. HELENA DYSPLASIA; ACROMESOMELIC DYSPLASIA 1. Identifiers: Orphanet 40, MedGen C1864356, MONDO:0011275, OMIM 602875.
Tall stature-scoliosis-macrodactyly of the great toes syndrome. Also called: Epiphyseal chondrodysplasia, miura type. Identifiers: Orphanet 329191, MedGen C4014690, MONDO:0014401, OMIM 615923.

Submission:

Labcorp Genetics (formerly Invitae), Labcorp
Classification: Uncertain significance for Tall stature-scoliosis-macrodactyly of the great toes syndrome; Acromesomelic dysplasia 1, Maroteaux type. Last evaluated: 2025-09-21. Review status: criteria provided, single submitter. Criteria: Invitae Variant Classification Sherloc (09022015). Collection method: clinical testing. Allele origin: germline.
Comment: This sequence change replaces histidine, which is basic and polar, with proline, which is neutral and non-polar, at codon 948 of the NPR2 protein (p.His948Pro). This variant is not present in population databases (gnomAD no frequency). This variant has not been reported in the literature in individuals affected with NPR2-related conditions. Invitae Evidence Modeling of protein sequence and biophysical properties (such as structural, functional, and spatial information, amino acid conservation, physicochemical variation, residue mobility, and thermodynamic stability) indicates that this missense variant is expected to disrupt NPR2 protein function with a positive predictive value of 80%. In summary, the available evidence is currently insufficient to determine the role of this variant in disease. Therefore, it has been classified as a Variant of Uncertain Significance.

NM_003995.4(NPR2):c.2843A>C (p.His948Pro)

Genes: NPR2 (natriuretic peptide receptor 2; plus strand), SPAG8 (sperm associated antigen 8; minus strand). Cytogenetic location: 9p13.3.
Variant type: single nucleotide variant.
Coding change: c.2843A>C on transcript NM_003995.4 (MANE Select); coding-DNA position 2843, A replaced by C.
Protein change: p.His948Pro; replaces histidine 948 with proline.
Molecular consequence: missense variant. On other transcripts: intron variant (2).
Genome position (GRCh38, 1-based): chr9:35,808,639, A>C. VCF-style: chr9-35808639-A-C. GRCh37 (hg19) VCF-style: chr9-35808636-A-C.
Other names: c.2852A>C, p.His951Pro (NM_001378923.1); c.1201-333T>G (NM_001366760.2); c.1373-333T>G (NM_172312.2); short protein forms H948P, H951P.
Identifiers: ClinVar variation 4782742 (VCV004782742.1).